The following is an entry in ClinVar:

NC_000016.9:g.(?_29802081)_(30200285_?)del

Genes: ALDOA (aldolase, fructose-bisphosphate A; plus strand), ASPHD1 (aspartate beta-hydroxylase domain containing 1; plus strand), C16orf92 (chromosome 16 open reading frame 92; plus strand), CDIPT (CDP-diacylglycerol--inositol 3-phosphatidyltransferase; minus strand), CORO1A (coronin 1A; plus strand) and 18 more. Cytogenetic location: 16p11.2.
Variant type: Deletion.
Identifiers: ClinVar variation 1075384 (VCV001075384.1).

ClinVar aggregate classification (germline): Pathogenic (1 of 4 stars; one submission).

Conditions:
Episodic kinesigenic dyskinesia (EKD). Also called: Paroxysmal kinesigenic dyskinesia. Identifiers: Orphanet 98809, MedGen C1868682, MONDO:0044202.

Submission:

Labcorp Genetics (formerly Invitae), Labcorp
Classification: Pathogenic for Episodic kinesigenic dyskinesia. Last evaluated: 2020-10-26. Review status: criteria provided, single submitter. Criteria: Invitae Variant Classification Sherloc (09022015). Collection method: clinical testing. Allele origin: germline.
Comment: A gross deletion of the genomic region encompassing the full coding sequence of the PRRT2 gene has been identified. The boundaries of this event are unknown as the deletion extends beyond the assayed region for this gene and therefore may encompass additional genes. Loss-of-function variants in PRRT2 are known to be pathogenic. This particular deletion has been reported in the literature in individuals affected with paroxysmal kinesigenic dyskinesia, infantile convulsions with paroxysmal choreoathetosis syndrome, and/or epilepsy (PMID: 22515636, 23363396, 24811917). For these reasons, this variant has been classified as Pathogenic.

Literature cited by the submitters: PubMed 22515636; PubMed 23363396; PubMed 24811917.